The following is an entry in ClinVar:

ClinVar aggregate classification (germline): Uncertain significance (1 of 4 stars; one submission).

Submission:

GeneDx
Classification: Uncertain significance. Last evaluated: 2023-09-24. Review status: criteria provided, single submitter. Criteria: GeneDx Variant Classification Process June 2021. Collection method: clinical testing. Allele origin: germline. Affected: yes.
Comment: Not observed at significant frequency in large population cohorts (gnomAD); In silico analysis supports that this missense variant has a deleterious effect on protein structure/function; Has not been previously published as pathogenic or benign to our knowledge

NM_031407.7(HUWE1):c.6289G>A (p.Gly2097Ser)

Gene: HUWE1 (HECT, UBA and WWE domain containing E3 ubiquitin protein ligase 1; minus strand). Cytogenetic location: Xp11.22.
Variant type: single nucleotide variant.
Coding change: c.6289G>A on transcript NM_031407.7 (MANE Select); coding-DNA position 6289, G replaced by A.
Protein change: p.Gly2097Ser; replaces glycine 2097 with serine.
Molecular consequence: missense variant.
Genome position (GRCh38, 1-based): chrX:53,573,773, C>T on the plus strand (G>A on the coding strand, the complement: HUWE1 is on the minus strand). VCF-style: chrX-53573773-C-T. GRCh37 (hg19) VCF-style: chrX-53600733-C-T.
Other names: short protein forms G2097S.
Identifiers: ClinVar variation 2580798 (VCV002580798.1), dbSNP rs2524704291, ClinGen allele CA413167811.